The following is an entry in ClinVar:

NM_013275.6(ANKRD11):c.6676G>A (p.Val2226Met)

Gene: ANKRD11 (ankyrin repeat domain 11; minus strand). Cytogenetic location: 16q24.3.
Variant type: single nucleotide variant.
Coding change: c.6676G>A on transcript NM_013275.6 (MANE Select); coding-DNA position 6676, G replaced by A.
Protein change: p.Val2226Met; replaces valine 2226 with methionine.
Molecular consequence: missense variant.
Genome position (GRCh38, 1-based): chr16:89,279,866, C>T on the plus strand (G>A on the coding strand, the complement: ANKRD11 is on the minus strand). VCF-style: chr16-89279866-C-T. GRCh37 (hg19) VCF-style: chr16-89346274-C-T.
Other names: c.6676G>A, p.Val2226Met (NM_001256182.2, NM_001256183.2); short protein forms V2226M.
Identifiers: ClinVar variation 1985721 (VCV001985721.4), dbSNP rs1169229013, ClinGen allele CA397150239.

ClinVar aggregate classification (germline): Uncertain significance (1 of 4 stars; one submission).

Conditions:
KBG syndrome (KBGS). Also called: ANKRD11-Related KBG Syndrome. Identifiers: Orphanet 2332, MedGen C0220687, MONDO:0007846, OMIM 148050.

Allele frequency attached by ClinVar (database versions not stated): TOPMed 0.00001; gnomAD 0.00002; gnomAD exomes 0.00003.
gnomAD v4.1: 45 of 1,563,884 alleles (0.0029%); highest among the groups gnomAD compares: Non-Finnish European, 0.0037%; no homozygotes.

Submission:

Labcorp Genetics (formerly Invitae), Labcorp
Classification: Uncertain significance for KBG syndrome. Last evaluated: 2023-08-04. Review status: criteria provided, single submitter. Criteria: Invitae Variant Classification Sherloc (09022015). Collection method: clinical testing. Allele origin: germline.
Comment: In summary, the available evidence is currently insufficient to determine the role of this variant in disease. Therefore, it has been classified as a Variant of Uncertain Significance. Advanced modeling of protein sequence and biophysical properties (such as structural, functional, and spatial information, amino acid conservation, physicochemical variation, residue mobility, and thermodynamic stability) performed at Invitae indicates that this missense variant is not expected to disrupt ANKRD11 protein function. ClinVar contains an entry for this variant (Variation ID: 1985721). This sequence change replaces valine, which is neutral and non-polar, with methionine, which is neutral and non-polar, at codon 2226 of the ANKRD11 protein (p.Val2226Met). The frequency data for this variant in the population databases is considered unreliable, as metrics indicate poor data quality at this position in the gnomAD database. This variant has not been reported in the literature in individuals affected with ANKRD11-related conditions.